The following is an entry in ClinVar:

NM_001004127.3(ALG11):c.27C>A (p.Cys9Ter)

Genes: ALG11 (ALG11 alpha-1,2-mannosyltransferase; plus strand), LOC130009841 (ATAC-STARR-seq lymphoblastoid active region 7785; plus strand). Cytogenetic location: 13q14.3.
Variant type: single nucleotide variant.
Coding change: c.27C>A on transcript NM_001004127.3 (MANE Select); coding-DNA position 27, C replaced by A.
Protein change: p.Cys9Ter; replaces cysteine 9 with a stop codon.
Molecular consequence: nonsense. On other transcripts: non-coding transcript variant (1).
Genome position (GRCh38, 1-based): chr13:52,012,445, C>A. VCF-style: chr13-52012445-C-A. GRCh37 (hg19) VCF-style: chr13-52586581-C-A.
Other names: short protein forms C9*.
Identifiers: ClinVar variation 2898658 (VCV002898658.3), dbSNP rs748982784, ClinGen allele CA6989777.
Genomic context (GRCh38, chr13:52,012,445, plus strand): 5'-TGAAGCGTTTCCTGAGTTCGGGGGTCGGCGGAAGATGGCGGCCGGCGAAAGGAGCTGGTG[C>A]CTGTGCAAGTTGTTGAGGTGAGCAGCCGGTCGTGTGGGCTCACAGACGTTTTCTCTTCTG-3'

ClinVar aggregate classification (germline): Pathogenic (1 of 4 stars; one submission).

Conditions:
ALG11-congenital disorder of glycosylation. Also called: CONGENITAL DISORDER OF GLYCOSYLATION, TYPE Ip; ALG11-CDG. Identifiers: Orphanet 280071, MedGen C3150913, MONDO:0013349, OMIM 613661.

gnomAD v4.1: 2 of 1,614,086 alleles (0.00012%); highest among the groups gnomAD compares: Admixed American, 0.0033%; no homozygotes.

Submission:

Labcorp Genetics (formerly Invitae), Labcorp
Classification: Pathogenic for ALG11-congenital disorder of glycosylation. Last evaluated: 2024-12-02. Review status: criteria provided, single submitter. Criteria: Invitae Variant Classification Sherloc (09022015). Collection method: clinical testing. Allele origin: germline.
Comment: This sequence change creates a premature translational stop signal (p.Cys9*) in the ALG11 gene. It is expected to result in an absent or disrupted protein product. Loss-of-function variants in ALG11 are known to be pathogenic (PMID: 30676690). This variant is present in population databases (rs748982784, gnomAD 0.01%). This variant has not been reported in the literature in individuals affected with ALG11-related conditions. ClinVar contains an entry for this variant (Variation ID: 2898658). For these reasons, this variant has been classified as Pathogenic.

Literature cited by the submitters: PubMed 30676690.